The following is an entry in ClinVar:

ClinVar aggregate classification (germline): Pathogenic (1 of 4 stars; one submission).

Submission:

Labcorp Genetics (formerly Invitae), Labcorp
Classification: Pathogenic. Last evaluated: 2023-03-26. Review status: criteria provided, single submitter. Criteria: Invitae Variant Classification Sherloc (09022015). Collection method: clinical testing. Allele origin: germline.
Comment: This sequence change creates a premature translational stop signal (p.Tyr316Thrfs*21) in the GRHL2 gene. It is expected to result in an absent or disrupted protein product. Loss-of-function variants in GRHL2 are known to be pathogenic (PMID: 12393799, 27911912). This variant is not present in population databases (gnomAD no frequency). This variant has not been reported in the literature in individuals affected with GRHL2-related conditions. For these reasons, this variant has been classified as Pathogenic.

Literature cited by the submitters: PubMed 12393799; PubMed 27911912.

NM_024915.4(GRHL2):c.936_945dup (p.Tyr316fs)

Gene: GRHL2 (grainyhead like transcription factor 2; plus strand). Cytogenetic location: 8q22.3.
Variant type: Duplication.
Coding change: c.936_945dup on transcript NM_024915.4 (MANE Select); coding-DNA positions 936 to 945, 10 bases duplicated (ACAGCTCAAA; older notation c.936_945dupACAGCTCAAA).
Protein change: p.Tyr316fs; shifts the reading frame from tyrosine 316.
Molecular consequence: frameshift variant.
Genome position (GRCh38, 1-based): chr8:101,577,452-101,577,461, ACAGCTCAAA duplicated; duplicating any 10 consecutive bases within chr8:101,577,451-101,577,461 gives the same sequence; the c. name uses the placement nearest the transcript's 3' end. VCF-style (leftmost placement, unchanged base first): chr8-101577450-G-GAACAGCTCAA. GRCh37 (hg19) VCF-style: chr8-102589678-G-GAACAGCTCAA.
Other names: c.888_897dup, p.Tyr300fs (NM_001330593.2); short protein forms Y300fs, Y316fs.
Identifiers: ClinVar variation 2818855 (VCV002818855.3), dbSNP rs2536859968, ClinGen allele CA2739268936.